The following is an entry in ClinVar:

ClinVar aggregate classification (germline): Likely benign (1 of 4 stars; one submission).

Allele frequency attached by ClinVar (database versions not stated): gnomAD exomes below 0.00001.

Submission:

CeGaT Center for Human Genetics Tuebingen
Classification: Likely benign. Last evaluated: 2022-04-01. Review status: criteria provided, single submitter. Criteria: CeGaT Center For Human Genetics Tuebingen Variant Classification Criteria Version 2. Collection method: clinical testing. Allele origin: germline. Affected: yes. Observed: 1 variant allele.
Comment: TSC22D3: PM2:Supporting, BP4, BP7

NM_198057.3(TSC22D3):c.417G>A (p.Val139=)

Gene: TSC22D3 (TSC22 domain family member 3; minus strand). Cytogenetic location: Xq22.3.
Variant type: single nucleotide variant.
Coding change: c.417G>A on transcript NM_198057.3 (MANE Select); coding-DNA position 417, G replaced by A.
Protein change: p.Val139=; no amino-acid change (valine 139 retained).
Molecular consequence: synonymous variant.
Genome position (GRCh38, 1-based): chrX:107,714,705, C>T on the plus strand (G>A on the coding strand, the complement: TSC22D3 is on the minus strand). VCF-style: chrX-107714705-C-T. GRCh37 (hg19) VCF-style: chrX-106957935-C-T.
Other names: c.48G>A, p.Val16= (NM_001015881.2); c.417G>A, p.Val139= (NM_001318468.1, NM_001318470.1); c.219G>A, p.Val73= (NM_004089.4).
Identifiers: ClinVar variation 2661153 (VCV002661153.24), dbSNP rs2521408848, ClinGen allele CA517978572.